The following is an entry in ClinVar:

NM_000382.3(ALDH3A2):c.1161C>T (p.Asp387=)

Gene: ALDH3A2 (aldehyde dehydrogenase 3 family member A2; plus strand). Cytogenetic location: 17p11.2.
Variant type: single nucleotide variant.
Coding change: c.1161C>T on transcript NM_000382.3 (MANE Select); coding-DNA position 1161, C replaced by T.
Protein change: p.Asp387=; no amino-acid change (aspartic acid 387 retained).
Molecular consequence: synonymous variant.
Genome position (GRCh38, 1-based): chr17:19,665,001, C>T. VCF-style: chr17-19665001-C-T. GRCh37 (hg19) VCF-style: chr17-19568314-C-T.
Other names: p.Asp387=; c.1161C>T, p.Asp387= (NM_001031806.2, NM_001369136.1, NM_001369137.2 and 3 more transcripts); c.582C>T, p.Asp194= (NM_001369148.2).
Identifiers: ClinVar variation 1145456 (VCV001145456.8), dbSNP rs759678665, ClinGen allele CA8443025.

ClinVar aggregate classification (germline): Likely benign. Review status: criteria provided, multiple submitters, no conflicts (2 of 4 stars). 2 submissions from 2 submitters: Likely benign (2). Last evaluated 2026-01-19.

Allele frequency attached by ClinVar (database versions not stated): gnomAD 0.00001; TOPMed 0.00001; ExAC 0.00002; gnomAD exomes 0.00004.
gnomAD v4.1: 61 of 1,613,910 alleles (0.0038%); highest among the groups gnomAD compares: Admixed American, 0.005%; no homozygotes.

Submissions (2):

Labcorp Genetics (formerly Invitae), Labcorp
Classification: Likely benign. Last evaluated: 2026-01-19. Review status: criteria provided, single submitter. Criteria: Invitae Variant Classification Sherloc (09022015). Collection method: clinical testing. Allele origin: germline.

Mayo Clinic Laboratories, Mayo Clinic
Classification: Likely benign. Last evaluated: 2025-01-13. Review status: criteria provided, single submitter. Criteria: ACMG Guidelines, 2015. Collection method: clinical testing. Allele origin: germline. Observed: 2 variant alleles.
Comment: BP4, BP7